The following is an entry in ClinVar:

ClinVar aggregate classification (germline): Uncertain significance. Review status: criteria provided, multiple submitters, no conflicts (2 of 4 stars). 2 submissions from 2 submitters: Uncertain significance (2). Last evaluated 2025-05-16.

Conditions:
Familial cancer of breast. Also called: BREAST CANCER, FAMILIAL; Hereditary breast cancer; hereditary breast carcinoma. Identifiers: Orphanet 227535, MedGen C0346153, MONDO:0016419, OMIM 114480. Disease mechanism: loss of function.
Hereditary cancer-predisposing syndrome. Also called: Neoplastic Syndromes, Hereditary; Tumor predisposition; Hereditary neoplastic syndrome; Hereditary Cancer Syndrome. Identifiers: Orphanet 140162, MedGen C0027672, MeSH D009386, MONDO:0015356.

gnomAD v4.1: 1 of 1,614,154 alleles (0.000062%); highest among the groups gnomAD compares: Non-Finnish European, 0.000085%; no homozygotes.

Submissions (2):

Ambry Genetics
Classification: Uncertain significance for Hereditary cancer-predisposing syndrome. Last evaluated: 2025-05-16. Review status: criteria provided, single submitter. Criteria: Ambry Variant Classification Scheme 2023. Collection method: clinical testing. Allele origin: germline.
Comment: The p.V519D variant (also known as c.1556T>A), located in coding exon 9 of the ATM gene, results from a T to A substitution at nucleotide position 1556. The valine at codon 519 is replaced by aspartic acid, an amino acid with highly dissimilar properties. This amino acid position is conserved. In addition, this alteration is predicted to be tolerated by in silico analysis. Based on the available evidence, the clinical significance of this variant remains unclear.

Baylor Genetics
Classification: Uncertain significance for Familial cancer of breast. Last evaluated: 2023-12-30. Review status: criteria provided, single submitter. Criteria: ACMG Guidelines, 2015. Collection method: clinical testing. Allele origin: unknown.

NM_000051.4(ATM):c.1556T>A (p.Val519Asp)

Gene: ATM (ATM serine/threonine kinase; plus strand). Cytogenetic location: 11q22.3.
Variant type: single nucleotide variant.
Coding change: c.1556T>A on transcript NM_000051.4 (MANE Select); coding-DNA position 1556, T replaced by A.
Protein change: p.Val519Asp; replaces valine 519 with aspartic acid.
Molecular consequence: missense variant.
Genome position (GRCh38, 1-based): chr11:108,251,021, T>A. VCF-style: chr11-108251021-T-A. GRCh37 (hg19) VCF-style: chr11-108121748-T-A.
Other names: c.1556T>A, p.Val519Asp (NM_001351834.2); short protein forms V519D.
Identifiers: ClinVar variation 3240780 (VCV003240780.2), dbSNP rs574458765.